The following is an entry in ClinVar:

ClinVar aggregate classification (germline): Likely pathogenic. Review status: criteria provided, multiple submitters, no conflicts (2 of 4 stars). 2 submissions from 2 submitters: Likely pathogenic (2). Last evaluated 2025-03-25.

Conditions:
Methylmalonic acidemia (MMA). Also called: Isolated Methylmalonic Acidemia. Identifiers: MedGen C0268583, MeSH C537358, MONDO:0002012, HP:0002912.

Allele frequency attached by ClinVar (database versions not stated): gnomAD exomes below 0.00001; ExAC 0.00001.
gnomAD v4.1: 4 of 1,613,716 alleles (0.00025%); highest among the groups gnomAD compares: South Asian, 0.0044%; no homozygotes.

Submissions (2):

Women's Health and Genetics/Laboratory Corporation of America, LabCorp
Classification: Likely pathogenic for Methylmalonic acidemia. Last evaluated: 2025-03-25. Review status: criteria provided, single submitter. Criteria: LabCorp Variant Classification Summary - May 2015. Collection method: clinical testing. Allele origin: germline.
Comment: Variant summary: MMUT c.2168G>A (p.Gly723Asp) results in a non-conservative amino acid change in the encoded protein sequence. Five of five in-silico tools predict a damaging effect of the variant on protein function. The variant allele was found at a frequency of 8e-06 in 251340 control chromosomes (gnomAD). c.2168G>A has been reported in the literature in individuals affected with Methylmalonic Acidemia (e.g. Han_2017, Han_2020, Ling_2024). These data indicate that the variant is likely to be associated with disease. At least one publication reports experimental evidence evaluating an impact on protein function. The most pronounced variant effect results in 30%-50% of normal enzymatic activity (Han_2017). The following publications have been ascertained in the context of this evaluation (PMID: 28101778, 31466887, 39075538). ClinVar contains an entry for this variant (Variation ID: 2201796). Based on the evidence outlined above, the variant was classified as likely pathogenic.

Labcorp Genetics (formerly Invitae), Labcorp
Classification: Likely pathogenic. Last evaluated: 2022-11-29. Review status: criteria provided, single submitter. Criteria: Invitae Variant Classification Sherloc (09022015). Collection method: clinical testing. Allele origin: germline.
Comment: This sequence change replaces glycine, which is neutral and non-polar, with aspartic acid, which is acidic and polar, at codon 723 of the MUT protein (p.Gly723Asp). This variant is present in population databases (rs755077681, gnomAD 0.006%). This missense change has been observed in individual(s) with methylmalonic aciduria (PMID: 31466887). Advanced modeling of protein sequence and biophysical properties (such as structural, functional, and spatial information, amino acid conservation, physicochemical variation, residue mobility, and thermodynamic stability) performed at Invitae indicates that this missense variant is expected to disrupt MUT protein function. Experimental studies have shown that this missense change affects MUT function (PMID: 28101778). In summary, the currently available evidence indicates that the variant is pathogenic, but additional data are needed to prove that conclusively. Therefore, this variant has been classified as Likely Pathogenic.

Literature cited by the submitters: PubMed 31466887 (cited by Women's Health and Genetics/Laboratory Corporation of America, LabCorp and Labcorp Genetics (formerly Invitae), Labcorp); PubMed 28101778 (cited by Women's Health and Genetics/Laboratory Corporation of America, LabCorp and Labcorp Genetics (formerly Invitae), Labcorp); PubMed 39075538 (cited by Women's Health and Genetics/Laboratory Corporation of America, LabCorp).

NM_000255.4(MMUT):c.2168G>A (p.Gly723Asp)

Gene: MMUT (methylmalonyl-CoA mutase; minus strand). Cytogenetic location: 6p12.3.
Variant type: single nucleotide variant.
Coding change: c.2168G>A on transcript NM_000255.4 (MANE Select); coding-DNA position 2168, G replaced by A.
Protein change: p.Gly723Asp; replaces glycine 723 with aspartic acid.
Molecular consequence: missense variant.
Genome position (GRCh38, 1-based): chr6:49,431,813, C>T on the plus strand (G>A on the coding strand, the complement: MMUT is on the minus strand). VCF-style: chr6-49431813-C-T. GRCh37 (hg19) VCF-style: chr6-49399526-C-T.
Other names: short protein forms G723D.
Identifiers: ClinVar variation 2201796 (VCV002201796.5), dbSNP rs755077681, ClinGen allele CA3846630.